The following is an entry in ClinVar:

NM_005431.2(XRCC2):c.65G>A (p.Ser22Asn)

Gene: XRCC2 (X-ray repair cross complementing 2; minus strand). Cytogenetic location: 7q36.1.
Variant type: single nucleotide variant.
Coding change: c.65G>A on transcript NM_005431.2 (MANE Select); coding-DNA position 65, G replaced by A.
Protein change: p.Ser22Asn; replaces serine 22 with asparagine.
Molecular consequence: missense variant.
Genome position (GRCh38, 1-based): chr7:152,660,757, C>T on the plus strand (G>A on the coding strand, the complement: XRCC2 is on the minus strand). VCF-style: chr7-152660757-C-T. GRCh37 (hg19) VCF-style: chr7-152357842-C-T.
Other names: short protein forms S22N.
Identifiers: ClinVar variation 826504 (VCV000826504.8), dbSNP rs1016461143, ClinGen allele CA169488183.

ClinVar aggregate classification (germline): Uncertain significance. Review status: criteria provided, multiple submitters, no conflicts (2 of 4 stars). 2 submissions from 2 submitters: Uncertain significance (2). Last evaluated 2024-08-17.

Conditions:
Hereditary cancer-predisposing syndrome. Also called: Neoplastic Syndromes, Hereditary; Tumor predisposition; Hereditary neoplastic syndrome; Hereditary Cancer Syndrome. Identifiers: Orphanet 140162, MedGen C0027672, MeSH D009386, MONDO:0015356.

Allele frequency attached by ClinVar (database versions not stated): gnomAD exomes 0.00001 and 0.00002; TOPMed 0.00005; gnomAD 0.00007.
gnomAD v4.1: 39 of 1,613,230 alleles (0.0024%); highest among the groups gnomAD compares: African/African-American, 0.015%; no homozygotes.

Submissions (2):

Ambry Genetics
Classification: Uncertain significance for Hereditary cancer-predisposing syndrome. Last evaluated: 2024-08-17. Review status: criteria provided, single submitter. Criteria: Ambry Variant Classification Scheme 2023. Collection method: clinical testing. Allele origin: germline.
Comment: The p.S22N variant (also known as c.65G>A), located in coding exon 2 of the XRCC2 gene, results from a G to A substitution at nucleotide position 65. The serine at codon 22 is replaced by asparagine, an amino acid with highly similar properties. This alteration has been reported in at least one subject in a study of 13087 breast cancer cases and 5488 control individuals in the UK (Decker B et al. J Med Genet, 2017 11;54:732-741). This amino acid position is well conserved in available vertebrate species. In addition, this alteration is predicted to be tolerated by in silico analysis. Since supporting evidence is limited at this time, the clinical significance of this alteration remains unclear.

Labcorp Genetics (formerly Invitae), Labcorp
Classification: Uncertain significance. Last evaluated: 2024-04-26. Review status: criteria provided, single submitter. Criteria: Invitae Variant Classification Sherloc (09022015). Collection method: clinical testing. Allele origin: germline.
Comment: This sequence change replaces serine, which is neutral and polar, with asparagine, which is neutral and polar, at codon 22 of the XRCC2 protein (p.Ser22Asn). This variant is present in population databases (no rsID available, gnomAD 0.01%). This variant has not been reported in the literature in individuals affected with XRCC2-related conditions. ClinVar contains an entry for this variant (Variation ID: 826504). Advanced modeling of protein sequence and biophysical properties (such as structural, functional, and spatial information, amino acid conservation, physicochemical variation, residue mobility, and thermodynamic stability) performed at Invitae indicates that this missense variant is not expected to disrupt XRCC2 protein function with a negative predictive value of 80%. In summary, the available evidence is currently insufficient to determine the role of this variant in disease. Therefore, it has been classified as a Variant of Uncertain Significance.

Literature cited by the submitters: PubMed 28779002 (cited by Ambry Genetics).